The following is an entry in ClinVar:

NM_177924.5(ASAH1):c.185G>A (p.Trp62Ter)

Gene: ASAH1 (N-acylsphingosine amidohydrolase 1; minus strand). Cytogenetic location: 8p22.
Variant type: single nucleotide variant.
Coding change: c.185G>A on transcript NM_177924.5 (MANE Select); coding-DNA position 185, G replaced by A.
Protein change: p.Trp62Ter; replaces tryptophan 62 with a stop codon.
Molecular consequence: nonsense. On other transcripts: 5 prime UTR variant (1).
Genome position (GRCh38, 1-based): chr8:18,071,331, C>T on the plus strand (G>A on the coding strand, the complement: ASAH1 is on the minus strand). VCF-style: chr8-18071331-C-T. GRCh37 (hg19) VCF-style: chr8-17928840-C-T.
Other names: c.254G>A, p.Trp85Ter (NM_001127505.3); c.-11G>A (NM_001363743.2); c.233G>A, p.Trp78Ter (NM_004315.6); short protein forms W78*, W62*, W85*.
Identifiers: ClinVar variation 2069383 (VCV002069383.5), dbSNP rs149658988, ClinGen allele CA4650991.

ClinVar aggregate classification (germline): Pathogenic. Review status: criteria provided, multiple submitters, no conflicts (2 of 4 stars). 2 submissions from 2 submitters: Pathogenic (2). Last evaluated 2025-02-20.

Conditions:
Spinal muscular atrophy-progressive myoclonic epilepsy syndrome. Also called: Spinal Muscular Atrophy with Progressive Myoclonic Epilepsy (SMA-PME); Hereditary myoclonus and progressive distal muscular atrophy; Spinal muscular atrophy with progressive myoclonic epilepsy; MYOCLONUS, HEREDITARY, WITH PROGRESSIVE DISTAL MUSCULAR ATROPHY. Identifiers: Orphanet 2590, MedGen C1834569, MONDO:0008045, OMIM 159950.

Allele frequency attached by ClinVar (database versions not stated): gnomAD exomes below 0.00001; gnomAD 0.00001; ExAC 0.00002; TOPMed 0.00002; ESP Exome Variant Server 0.00015.

Submissions (2):

3billion
Classification: Pathogenic for Spinal muscular atrophy-progressive myoclonic epilepsy syndrome. Last evaluated: 2025-02-20. Review status: criteria provided, single submitter. Criteria: ACMG Guidelines, 2015. Collection method: clinical testing. Allele origin: germline. Affected: yes.
Comment: The variant is observed at an extremely low frequency in the gnomAD v4.1.0 dataset (total allele frequency: <0.001%). Predicted Consequence/Location: Stop-gained (nonsense): predicted to result in a loss or disruption of normal protein function through nonsense-mediated decay (NMD) or protein truncation. Multiple pathogenic variants are reported downstream of the variant. The variant has been reported to be associated with ASAH1-related disorder (ClinVar ID: VCV002069383). Therefore, this variant is classified as Pathogenic according to the recommendation of ACMG/AMP guideline.

Labcorp Genetics (formerly Invitae), Labcorp
Classification: Pathogenic. Last evaluated: 2024-05-06. Review status: criteria provided, single submitter. Criteria: Invitae Variant Classification Sherloc (09022015). Collection method: clinical testing. Allele origin: germline.
Comment: This sequence change creates a premature translational stop signal (p.Trp62*) in the ASAH1 gene. It is expected to result in an absent or disrupted protein product. Loss-of-function variants in ASAH1 are known to be pathogenic (PMID: 24164096, 24355074). This variant is present in population databases (rs149658988, gnomAD 0.0008%). This variant has not been reported in the literature in individuals affected with ASAH1-related conditions. ClinVar contains an entry for this variant (Variation ID: 2069383). Algorithms developed to predict the effect of sequence changes on RNA splicing suggest that this variant may disrupt the consensus splice site. For these reasons, this variant has been classified as Pathogenic.

Literature cited by the submitters: PubMed 24164096 (cited by Labcorp Genetics (formerly Invitae), Labcorp); PubMed 24355074 (cited by Labcorp Genetics (formerly Invitae), Labcorp).